The following is an entry in ClinVar:

ClinVar aggregate classification (germline): Conflicting classifications of pathogenicity. Review status: criteria provided, conflicting classifications (1 of 4 stars). 6 submissions from 6 submitters: Pathogenic (1); Likely pathogenic (2); Uncertain significance (3). Last evaluated 2024-11-11.

Conditions:
Combined oxidative phosphorylation deficiency 46. Identifiers: MedGen C5436466, MONDO:0033534, OMIM 618952.
Inborn genetic diseases. Identifiers: MedGen C0950123, MeSH D030342.
MRPS23-related disorder. Also called: MRPS23-related condition.

Allele frequency attached by ClinVar (database versions not stated): gnomAD exomes below 0.00001; ExAC 0.00001.

Submissions (6):

PreventionGenetics, part of Exact Sciences
Classification: Likely pathogenic for MRPS23-related condition. Last evaluated: 2024-11-11. Review status: criteria provided, single submitter. Criteria: ACMG Guidelines, 2015. Collection method: clinical testing. Allele origin: germline.
Comment: The MRPS23 c.119C>T variant is predicted to result in the amino acid substitution p.Pro40Leu. This variant has been reported in the homozygous state and to segregate with disease in many individuals from unrelated families with suspected mitochondrial disease although they were all from the same population (Ittiwut et al. 2023. PubMed ID: 38086984). In vitro experimental studies using cultured patient fibroblasts showed respiratory chain complex deficiency and low activities of complexes I and IV (Ittiwut et al. 2023. PubMed ID: 38086984). An alternate missense change affecting the same amino acid (p.Pro40Arg) has been reported in the homozygous state in an individual with suspected mitochondrial disease (Kohda et al. 2016. PubMed ID: 26741492). This variant is reported in 0.0062% of alleles in individuals of African descent in gnomAD. This variant is interpreted as likely pathogenic.

GeneDx
Classification: Pathogenic. Last evaluated: 2024-03-06. Review status: criteria provided, single submitter. Criteria: GeneDx Variant Classification Process June 2021. Collection method: clinical testing. Allele origin: germline. Affected: yes.
Comment: Not observed at significant frequency in large population cohorts (gnomAD); In silico analysis supports that this missense variant has a deleterious effect on protein structure/function; This variant is associated with the following publications: (PMID: 38086984, 26741492, Jones2023[abstract])

Labcorp Genetics (formerly Invitae), Labcorp
Classification: Uncertain significance. Last evaluated: 2023-04-15. Review status: criteria provided, single submitter. Criteria: Invitae Variant Classification Sherloc (09022015). Collection method: clinical testing. Allele origin: germline.
Comment: In summary, the available evidence is currently insufficient to determine the role of this variant in disease. Therefore, it has been classified as a Variant of Uncertain Significance. An algorithm developed to predict the effect of missense changes on protein structure and function (PolyPhen-2) suggests that this variant is likely to be disruptive. ClinVar contains an entry for this variant (Variation ID: 985200). This variant has not been reported in the literature in individuals affected with MRPS23-related conditions. This variant is present in population databases (rs772721937, gnomAD 0.007%). This sequence change replaces proline, which is neutral and non-polar, with leucine, which is neutral and non-polar, at codon 40 of the MRPS23 protein (p.Pro40Leu).

Revvity Omics, Revvity
Classification: Uncertain significance for Combined oxidative phosphorylation deficiency 46. Last evaluated: 2020-12-04. Review status: criteria provided, single submitter. Criteria: ACMG Guidelines, 2015. Collection method: clinical testing. Allele origin: germline.

Ambry Genetics
Classification: Uncertain significance for Inborn genetic diseases. Last evaluated: 2017-10-03. Review status: criteria provided, single submitter. Criteria: Ambry exome assertion method (8-5-2015). Collection method: clinical testing. Allele origin: germline. Affected: yes. Observed: 1 variant allele.

Center of Excellence for Medical Genomics, Chulalongkorn University
Classification: Likely pathogenic for Combined oxidative phosphorylation deficiency 46. Review status: criteria provided, single submitter. Criteria: ACMG Guidelines, 2015. Collection method: clinical testing. Allele origin: paternal. Inheritance: Autosomal recessive inheritance. Affected: yes. Observed: 8 variant alleles, 8 homozygotes.

Literature cited by the submitters: PubMed 26741492 (cited by Ambry Genetics and Center of Excellence for Medical Genomics, Chulalongkorn University).

NM_016070.4(MRPS23):c.119C>T (p.Pro40Leu)

Gene: MRPS23 (mitochondrial ribosomal protein S23; minus strand). Cytogenetic location: 17q22.
Variant type: single nucleotide variant.
Coding change: c.119C>T on transcript NM_016070.4 (MANE Select); coding-DNA position 119, C replaced by T.
Protein change: p.Pro40Leu; replaces proline 40 with leucine.
Molecular consequence: missense variant.
Genome position (GRCh38, 1-based): chr17:57,849,336, G>A on the plus strand (C>T on the coding strand, the complement: MRPS23 is on the minus strand). VCF-style: chr17-57849336-G-A. GRCh37 (hg19) VCF-style: chr17-55926697-G-A.
Other names: short protein forms P40L.
Identifiers: ClinVar variation 985200 (VCV000985200.13), dbSNP rs772721937, ClinGen allele CA8666791.